The following is an entry in ClinVar:

NM_182961.4(SYNE1):c.22073C>T (p.Ala7358Val)

Gene: SYNE1 (spectrin repeat containing nuclear envelope protein 1; minus strand). Cytogenetic location: 6q25.2.
Variant type: single nucleotide variant.
Coding change: c.22073C>T on transcript NM_182961.4 (MANE Select); coding-DNA position 22073, C replaced by T.
Protein change: p.Ala7358Val; replaces alanine 7358 with valine.
Molecular consequence: missense variant.
Genome position (GRCh38, 1-based): chr6:152,218,375, G>A on the plus strand (C>T on the coding strand, the complement: SYNE1 is on the minus strand). VCF-style: chr6-152218375-G-A. GRCh37 (hg19) VCF-style: chr6-152539510-G-A.
Other names: c.21860C>T, p.Ala7287Val (NM_033071.5); short protein forms A7287V, A7358V.
Identifiers: ClinVar variation 2154467 (VCV002154467.3), dbSNP rs759308583, ClinGen allele CA4053962.

ClinVar aggregate classification (germline): Uncertain significance. Review status: criteria provided, multiple submitters, no conflicts (2 of 4 stars). 2 submissions from 2 submitters: Uncertain significance (2). Last evaluated 2023-06-20.

Conditions:
Autosomal recessive ataxia, Beauce type. Also called: SYNE1-Related Autosomal Recessive Cerebellar Ataxia; Spinocerebellar ataxia, autosomal recessive 8; ATAXIA, RECESSIVE, OF BEAUCE; SYNE1 Deficiency. Identifiers: Orphanet 88644, MedGen C1853116, MONDO:0012549, OMIM 610743.
Emery-Dreifuss muscular dystrophy 4, autosomal dominant (EDMD4). Also called: EMERY-DREIFUSS MUSCULAR DYSTROPHY 4 WITH VARIABLE FEATURES. Identifiers: Orphanet 261, MedGen C2751807, MONDO:0013071, OMIM 612998.

Allele frequency attached by ClinVar (database versions not stated): ExAC 0.00002.
gnomAD v4.1: 9 of 1,613,620 alleles (0.00056%); highest among the groups gnomAD compares: South Asian, 0.0077%; no homozygotes.

Submissions (2):

Revvity Omics, Revvity
Classification: Uncertain significance. Last evaluated: 2023-06-20. Review status: criteria provided, single submitter. Criteria: ACMG Guidelines, 2015. Collection method: clinical testing. Allele origin: germline.

Labcorp Genetics (formerly Invitae), Labcorp
Classification: Uncertain significance for Emery-Dreifuss muscular dystrophy 4, autosomal dominant; Autosomal recessive ataxia, Beauce type. Last evaluated: 2022-06-25. Review status: criteria provided, single submitter. Criteria: Invitae Variant Classification Sherloc (09022015). Collection method: clinical testing. Allele origin: germline.
Comment: This sequence change replaces alanine, which is neutral and non-polar, with valine, which is neutral and non-polar, at codon 7287 of the SYNE1 protein (p.Ala7287Val). This variant is present in population databases (rs759308583, gnomAD 0.02%). This variant has not been reported in the literature in individuals affected with SYNE1-related conditions. Algorithms developed to predict the effect of missense changes on protein structure and function are either unavailable or do not agree on the potential impact of this missense change (SIFT: "Deleterious"; PolyPhen-2: "Benign"; Align-GVGD: "Class C0"). In summary, the available evidence is currently insufficient to determine the role of this variant in disease. Therefore, it has been classified as a Variant of Uncertain Significance.